The following is an entry in ClinVar:

NM_015178.3(RHOBTB2):c.1287C>T (p.Val429=)

Gene: RHOBTB2 (Rho related BTB domain containing 2; plus strand). Cytogenetic location: 8p21.3.
Variant type: single nucleotide variant.
Coding change: c.1287C>T on transcript NM_015178.3 (MANE Select); coding-DNA position 1287, C replaced by T.
Protein change: p.Val429=; no amino-acid change (valine 429 retained).
Molecular consequence: synonymous variant.
Genome position (GRCh38, 1-based): chr8:23,007,532, C>T. VCF-style: chr8-23007532-C-T. GRCh37 (hg19) VCF-style: chr8-22865045-C-T.
Other names: c.1353C>T, p.Val451= (NM_001160036.2); c.1308C>T, p.Val436= (NM_001160037.2); c.1287C>T, p.Val429= (NM_001374791.1).
Identifiers: ClinVar variation 4873501 (VCV004873501.2).

ClinVar aggregate classification (germline): Likely benign (1 of 4 stars; one submission).

gnomAD v4.1: 4 of 1,614,016 alleles (0.00025%); highest among the groups gnomAD compares: Admixed American, 0.0017%; no homozygotes.

Submission:

CeGaT Center for Human Genetics Tuebingen
Classification: Likely benign. Last evaluated: 2026-05-01. Review status: criteria provided, single submitter. Criteria: CeGaT Center For Human Genetics Tuebingen Variant Classification Criteria Version 2. Collection method: clinical testing. Allele origin: germline. Affected: yes. Observed: 1 variant allele.
Comment: RHOBTB2: BP4, BP7